The following is an entry in ClinVar:

ClinVar aggregate classification (germline): Likely benign (1 of 4 stars; one submission).

gnomAD v4.1: 2 of 1,612,864 alleles (0.00012%); highest among the groups gnomAD compares: Non-Finnish European, 0.00017%; no homozygotes.

Submission:

CeGaT Center for Human Genetics Tuebingen
Classification: Likely benign. Last evaluated: 2026-03-01. Review status: criteria provided, single submitter. Criteria: CeGaT Center For Human Genetics Tuebingen Variant Classification Criteria Version 2. Collection method: clinical testing. Allele origin: germline. Affected: yes. Observed: 2 variant alleles.
Comment: ENGASE: BP4, BP7

NM_001042573.3(ENGASE):c.519A>C (p.Pro173=)

Gene: ENGASE (endo-beta-N-acetylglucosaminidase; plus strand). Cytogenetic location: 17q25.3.
Variant type: single nucleotide variant.
Coding change: c.519A>C on transcript NM_001042573.3 (MANE Select); coding-DNA position 519, A replaced by C.
Protein change: p.Pro173=; no amino-acid change (proline 173 retained).
Molecular consequence: synonymous variant.
Genome position (GRCh38, 1-based): chr17:79,079,591, A>C. VCF-style: chr17-79079591-A-C. GRCh37 (hg19) VCF-style: chr17-77075673-A-C.
Other names: c.519A>C, p.Pro173= (NM_001396052.1, NM_001396053.1, NM_001396054.1 and 1 more transcripts).
Identifiers: ClinVar variation 4821611 (VCV004821611.4).